The following is an entry in ClinVar:

ClinVar aggregate classification (germline): Uncertain significance. Review status: criteria provided, multiple submitters, no conflicts (2 of 4 stars). 2 submissions from 2 submitters: Uncertain significance (2). Last evaluated 2025-08-24.

Allele frequency attached by ClinVar (database versions not stated): gnomAD exomes below 0.00001 and 0.00002; gnomAD 0.00001; TOPMed 0.00001.
gnomAD v4.1: 34 of 1,613,902 alleles (0.0021%); highest among the groups gnomAD compares: Non-Finnish European, 0.0029%; no homozygotes.

Submissions (2):

Labcorp Genetics (formerly Invitae), Labcorp
Classification: Uncertain significance. Last evaluated: 2025-08-24. Review status: criteria provided, single submitter. Criteria: Invitae Variant Classification Sherloc (09022015). Collection method: clinical testing. Allele origin: germline.
Comment: This sequence change replaces arginine, which is basic and polar, with cysteine, which is neutral and slightly polar, at codon 989 of the ATR protein (p.Arg989Cys). This variant is present in population databases (no rsID available, gnomAD 0.0009%). This variant has not been reported in the literature in individuals affected with ATR-related conditions. ClinVar contains an entry for this variant (Variation ID: 1370420). An algorithm developed to predict the effect of missense changes on protein structure and function (PolyPhen-2) suggests that this variant is likely to be disruptive. In summary, the available evidence is currently insufficient to determine the role of this variant in disease. Therefore, it has been classified as a Variant of Uncertain Significance.

Blueprint Genetics
Classification: Uncertain significance. Last evaluated: 2023-08-15. Review status: criteria provided, single submitter. Criteria: ACMG Guidelines, 2015. Collection method: clinical testing. Allele origin: germline.

NM_001184.4(ATR):c.2965C>T (p.Arg989Cys)

Gene: ATR (ATR checkpoint kinase; minus strand). Cytogenetic location: 3q23.
Variant type: single nucleotide variant.
Coding change: c.2965C>T on transcript NM_001184.4 (MANE Select); coding-DNA position 2965, C replaced by T.
Protein change: p.Arg989Cys; replaces arginine 989 with cysteine.
Molecular consequence: missense variant.
Genome position (GRCh38, 1-based): chr3:142,550,143, G>A on the plus strand (C>T on the coding strand, the complement: ATR is on the minus strand). VCF-style: chr3-142550143-G-A. GRCh37 (hg19) VCF-style: chr3-142268985-G-A.
Other names: c.2773C>T, p.Arg925Cys (NM_001354579.2); short protein forms R925C, R989C.
Identifiers: ClinVar variation 1370420 (VCV001370420.9), dbSNP rs911751877, ClinGen allele CA84743673.